The following is an entry in ClinVar:

ClinVar aggregate classification (germline): Uncertain significance (1 of 4 stars; one submission).

Conditions:
Hereditary cancer-predisposing syndrome. Also called: Neoplastic Syndromes, Hereditary; Tumor predisposition; Hereditary Cancer Syndrome; Hereditary neoplastic syndrome. Identifiers: Orphanet 140162, MedGen C0027672, MeSH D009386, MONDO:0015356.

Submission:

Ambry Genetics
Classification: Uncertain significance for Hereditary cancer-predisposing syndrome. Last evaluated: 2021-12-11. Review status: criteria provided, single submitter. Criteria: Ambry Variant Classification Scheme 2023. Collection method: clinical testing. Allele origin: germline.
Comment: The p.E972V variant (also known as c.2915A>T), located in coding exon 25 of the POLE gene, results from an A to T substitution at nucleotide position 2915. The glutamic acid at codon 972 is replaced by valine, an amino acid with dissimilar properties. This amino acid position is conserved. In addition, this alteration is predicted to be deleterious by in silico analysis. Since supporting evidence is limited at this time, the clinical significance of this alteration remains unclear.

NM_006231.4(POLE):c.2915A>T (p.Glu972Val)

Gene: POLE (DNA polymerase epsilon, catalytic subunit; minus strand). Cytogenetic location: 12q24.33.
Variant type: single nucleotide variant.
Coding change: c.2915A>T on transcript NM_006231.4 (MANE Select); coding-DNA position 2915, A replaced by T.
Protein change: p.Glu972Val; replaces glutamic acid 972 with valine.
Molecular consequence: missense variant.
Genome position (GRCh38, 1-based): chr12:132,661,114, T>A on the plus strand (A>T on the coding strand, the complement: POLE is on the minus strand). VCF-style: chr12-132661114-T-A. GRCh37 (hg19) VCF-style: chr12-133237700-T-A.
Other names: short protein forms E972V.
Identifiers: ClinVar variation 1797620 (VCV001797620.2), dbSNP rs2138691692, ClinGen allele CA387392720.